The following is an entry in ClinVar:

ClinVar aggregate classification (germline): Likely pathogenic (1 of 4 stars; one submission).

gnomAD v4.1: 1 of 1,613,232 alleles (0.000062%); highest among the groups gnomAD compares: Admixed American, 0.0017%; no homozygotes.

Submission:

ARUP Laboratories, Molecular Genetics and Genomics, ARUP Laboratories
Classification: Likely pathogenic. Last evaluated: 2024-07-02. Review status: criteria provided, single submitter. Criteria: ARUP Molecular Germline Variant Investigation Process 2024. Collection method: clinical testing. Allele origin: germline.
Comment: The Hb Milano variant (HBA1: c.329T>C; p.Leu110Pro, also known as Leu109Pro when numbered from the mature protein, HbVar ID: 3133) is reported in the literature in heterozygous individuals presenting with mild microcytosis, and a compound heterozygous individual (cooccurring with an alpha-thalassemia 3.7 kb deletion) presenting with microcytosis and mild anemia (Curcio 2019). This variant is absent from the Genome Aggregation Database (v2.1.1), indicating it is not a common polymorphism. Computational analyses predict that this variant is deleterious (REVEL: 0.879). In vitro studies show the variant protein is undetectable by various analyses, suggestive of a highly unstable hemoglobin variant (Curcio 2019). Based on available information, this variant is considered to be likely pathogenic. References: Link to HbVar database: Curcio C et al. Hb Milano [alpha109(G16)Leu->Pro (CTG>CCG); HBA1: c.329T>C]: A Novel Variant on the alpha1-Globin Gene in an Italian Family. Hemoglobin. 2019 Jan;43(1):4-6. PMID: 31084368.

NM_000558.5(HBA1):c.329T>C (p.Leu110Pro)

Genes: HBA1 (hemoglobin subunit alpha 1; plus strand), LOC106804613 (hemoglobin subunit alpha 1 recombination region; plus strand). Cytogenetic location: 16p13.3.
Variant type: single nucleotide variant.
Coding change: c.329T>C on transcript NM_000558.5 (MANE Select); coding-DNA position 329, T replaced by C.
Protein change: p.Leu110Pro; replaces leucine 110 with proline.
Molecular consequence: missense variant.
Genome position (GRCh38, 1-based): chr16:177,311, T>C. VCF-style: chr16-177311-T-C. GRCh37 (hg19) VCF-style: chr16-227310-T-C.
Other names: short protein forms L110P.
Identifiers: ClinVar variation 3766692 (VCV003766692.1).
Genomic context (GRCh38, chr16:177,311, plus strand): 5'-CCTCGGCCCCACTGACCCTCTTCTCTGCACAGCTCCTAAGCCACTGCCTGCTGGTGACCC[T>C]GGCCGCCCACCTCCCCGCCGAGTTCACCCCTGCGGTGCACGCCTCCCTGGACAAGTTCCT-3'
Protein context (NP_000549.1, residues 100-120): KLLSHCLLVT[Leu110Pro]AAHLPAEFTP